The following is an entry in ClinVar:

ClinVar aggregate classification (germline): Uncertain significance (1 of 4 stars; one submission).

Allele frequency attached by ClinVar (database versions not stated): TOPMed below 0.00001; gnomAD 0.00001; gnomAD exomes 0.00001; ExAC 0.00002.
gnomAD v4.1: 12 of 1,614,054 alleles (0.00074%); highest among the groups gnomAD compares: Non-Finnish European, 0.00093%; no homozygotes.

Submission:

Labcorp Genetics (formerly Invitae), Labcorp
Classification: Uncertain significance. Last evaluated: 2023-06-11. Review status: criteria provided, single submitter. Criteria: Invitae Variant Classification Sherloc (09022015). Collection method: clinical testing. Allele origin: germline.
Comment: This variant is present in population databases (rs773420331, gnomAD 0.004%). This sequence change replaces valine, which is neutral and non-polar, with isoleucine, which is neutral and non-polar, at codon 413 of the TRPC6 protein (p.Val413Ile). This variant has not been reported in the literature in individuals affected with TRPC6-related conditions. In summary, the available evidence is currently insufficient to determine the role of this variant in disease. Therefore, it has been classified as a Variant of Uncertain Significance. Advanced modeling of protein sequence and biophysical properties (such as structural, functional, and spatial information, amino acid conservation, physicochemical variation, residue mobility, and thermodynamic stability) performed at Invitae indicates that this missense variant is not expected to disrupt TRPC6 protein function.

NM_004621.6(TRPC6):c.1237G>A (p.Val413Ile)

Gene: TRPC6 (transient receptor potential cation channel subfamily C member 6; minus strand). Cytogenetic location: 11q22.1.
Variant type: single nucleotide variant.
Coding change: c.1237G>A on transcript NM_004621.6 (MANE Select); coding-DNA position 1237, G replaced by A.
Protein change: p.Val413Ile; replaces valine 413 with isoleucine.
Molecular consequence: missense variant.
Genome position (GRCh38, 1-based): chr11:101,488,993, C>T on the plus strand (G>A on the coding strand, the complement: TRPC6 is on the minus strand). VCF-style: chr11-101488993-C-T. GRCh37 (hg19) VCF-style: chr11-101359724-C-T.
Other names: short protein forms V413I.
Identifiers: ClinVar variation 2979074 (VCV002979074.3), dbSNP rs773420331, ClinGen allele CA6244370.